The following is an entry in ClinVar:

ClinVar aggregate classification (somatic clinical impact): Tier II - Potential (1 of 4 stars; one submission).

Conditions:
Adenocarcinoma of the large intestine. Identifiers: MedGen C1319315, MONDO:0005008, HP:0040275.

Submission:

Institute for Genomic Medicine (IGM) Clinical Laboratory, Nationwide Children's Hospital
Classification: Tier II - Potential for Adenocarcinoma of the large intestine. Assertion type: diagnostic. Clinical significance: supports diagnosis. Last evaluated: 2024-05-23. Review status: criteria provided, single submitter. Criteria: AMP/ASCO/CAP Guidelines, 2017. Collection method: clinical testing. Allele origin: somatic. Affected: yes.
Comment: Variant has Tier II (potential) clinical significance as a diagnostic inclusion criterion in colorectal adenocarcinoma, based on the following evidence: 1) Documented in one or more cancer databases (e.g., St. Jude Pecan, COSMIC, CIViC, OncoKB). 2) Assists in diagnosis alone or along with other biomarkers based on small studies or few case reports (Evidence Level D; PMIDs: 22810696, 28481359).

Literature cited by the submitters: PubMed 22810696; PubMed 28481359.

NM_001982.4(ERBB3):c.985A>G (p.Lys329Glu)

Gene: ERBB3 (erb-b2 receptor tyrosine kinase 3; plus strand). Cytogenetic location: 12q13.2.
Variant type: single nucleotide variant.
Coding change: c.985A>G on transcript NM_001982.4 (MANE Select); coding-DNA position 985, A replaced by G.
Protein change: p.Lys329Glu; replaces lysine 329 with glutamic acid.
Molecular consequence: missense variant.
Genome position (GRCh38, 1-based): chr12:56,088,653, A>G. VCF-style: chr12-56088653-A-G. GRCh37 (hg19) VCF-style: chr12-56482437-A-G.
Other names: short protein forms K329E.
Identifiers: ClinVar variation 4530062 (VCV004530062.1).
Genomic context (GRCh38, chr12:56,088,653, plus strand): 5'-AAGATGGAAGTAGATAAAAATGGGCTCAAGATGTGTGAGCCTTGTGGGGGACTATGTCCC[A>G]AAGGTGGGTAGGAGATGGTAAGAAGTTGTAAAGAGACAGCCTTTCCTCTGAGCCTGCGCA-3'
Protein context (NP_001973.2, residues 319-339): MCEPCGGLCP[Lys329Glu]ACEGTGSGSR